The following is an entry in ClinVar:

NM_006231.4(POLE):c.5347G>T (p.Asp1783Tyr)

Gene: POLE (DNA polymerase epsilon, catalytic subunit; minus strand). Cytogenetic location: 12q24.33.
Variant type: single nucleotide variant.
Coding change: c.5347G>T on transcript NM_006231.4 (MANE Select); coding-DNA position 5347, G replaced by T.
Protein change: p.Asp1783Tyr; replaces aspartic acid 1783 with tyrosine.
Molecular consequence: missense variant.
Genome position (GRCh38, 1-based): chr12:132,641,678, C>A on the plus strand (G>T on the coding strand, the complement: POLE is on the minus strand). VCF-style: chr12-132641678-C-A. GRCh37 (hg19) VCF-style: chr12-133218264-C-A.
Other names: short protein forms D1783Y.
Identifiers: ClinVar variation 3624610 (VCV003624610.2).

ClinVar aggregate classification (germline): Uncertain significance (1 of 4 stars; one submission).

gnomAD v4.1: 1 of 1,614,048 alleles (0.000062%); highest among the groups gnomAD compares: Non-Finnish European, 0.000085%; no homozygotes.

Submission:

Labcorp Genetics (formerly Invitae), Labcorp
Classification: Uncertain significance. Last evaluated: 2024-11-24. Review status: criteria provided, single submitter. Criteria: Invitae Variant Classification Sherloc (09022015). Collection method: clinical testing. Allele origin: germline.
Comment: This sequence change replaces aspartic acid, which is acidic and polar, with tyrosine, which is neutral and polar, at codon 1783 of the POLE protein (p.Asp1783Tyr). This variant is not present in population databases (gnomAD no frequency). This variant has not been reported in the literature in individuals affected with POLE-related conditions. Invitae Evidence Modeling of protein sequence and biophysical properties (such as structural, functional, and spatial information, amino acid conservation, physicochemical variation, residue mobility, and thermodynamic stability) indicates that this missense variant is expected to disrupt POLE protein function with a positive predictive value of 80%. In summary, the available evidence is currently insufficient to determine the role of this variant in disease. Therefore, it has been classified as a Variant of Uncertain Significance.